The following is an entry in ClinVar:

ClinVar aggregate classification (germline): Likely pathogenic (0 of 4 stars; one submission).

Conditions:
Brachydactyly-arterial hypertension syndrome. Also called: BILGINTURAN SYNDROME. Identifiers: Orphanet 1276, MedGen C1862170, MONDO:0007211, OMIM 112410.

Submission:

Nowon Eulji Medical Center
Classification: Likely pathogenic for Brachydactyly-arterial hypertension syndrome. Last evaluated: 2019-08-28. Review status: no assertion criteria provided. Collection method: clinical testing. Allele origin: de novo. Inheritance: Sporadic. Affected: yes. Observed: 1 variant allele, 1 heterozygote.
Comment: The Thr445del variant in PDE3A has been reported in 1 Lebanon family with autosomal dominant hypertension, short stature, and Brachydactyly type E segregated with the disease in 2 affected relatives (Renkema et al., 2018) and was absent from large population studies. In summary, the Thr445del variant meets our criteria to be classified as likely pathogenic (2015 ACMG/AMP guideline, Genet Med 2015;17:405-24)) based upon segregation studies, absence in the population databases, and highly specific phenotype.

Literature cited by the submitters: PubMed 31589936.

NM_000921.5(PDE3A):c.1324ACC[3] (p.Thr445del)

Gene: PDE3A (phosphodiesterase 3A; plus strand). Cytogenetic location: 12p12.2.
Variant type: Microsatellite.
Coding change: c.1324ACC[3] on transcript NM_000921.5 (MANE Select); three copies in a row of the 3-base unit ACC starting at c.1324; the reference has four copies in a row; one copy, 3 bases deleted; also written c.1333_1335del.
Protein change: p.Thr445del; deletes threonine 445.
Molecular consequence: inframe deletion.
Genome position (GRCh38, 1-based): chr12:20,616,293-20,616,295, ACC deleted; deleting any 3 consecutive bases within chr12:20,616,284-20,616,295 gives the same sequence; the position shown is the placement nearest the transcript's 3' end. VCF-style (leftmost placement, unchanged base first): chr12-20616283-GACC-G. GRCh37 (hg19) VCF-style: chr12-20769217-GACC-G.
Other names: c.1333_1335del (NM_000921.4); c.358ACC[3], p.Thr123del (NM_001244683.2, NM_001378409.1); c.1324ACC[3], p.Thr445del (NM_001378407.1); c.361ACC[3], p.Thr124del (NM_001378408.1); short protein forms T123del, T445del, T124del.
Identifiers: ClinVar variation 690366 (VCV000690366.3), dbSNP rs1592115698, ClinGen allele CA915947886.